The following is an entry in ClinVar:

ClinVar aggregate classification (germline): Uncertain significance. Review status: criteria provided, single submitter (1 of 4 stars). 2 submissions from 2 submitters: Uncertain significance (1). 1 of the submissions does not count toward it. Last evaluated 2025-09-16.

Conditions:
Autosomal recessive limb-girdle muscular dystrophy type 2N. Also called: MUSCULAR DYSTROPHY-DYSTROGLYCANOPATHY, LIMB-GIRDLE, POMT2-RELATED; Muscular dystrophy-dystroglycanopathy (limb-girdle), type C, 2. Identifiers: Orphanet 206559, MedGen C3150418, MONDO:0013162, OMIM 613158.

Submissions (2):

Women's Health and Genetics/Laboratory Corporation of America, LabCorp
Classification: Uncertain significance. Last evaluated: 2025-09-16. Review status: criteria provided, single submitter. Criteria: LabCorp Variant Classification Summary - May 2015. Collection method: clinical testing. Allele origin: germline.
Comment: Variant summary: POMT2 c.2243G>C (p.Trp748Ser) results in a non-conservative amino acid change in the encoded protein sequence. Algorithms developed to predict the effect of missense changes on protein structure and function all suggest that this variant is likely to be disruptive. The variant was absent in 251318 control chromosomes (gnomAD). The available data on variant occurrences in the general population are insufficient to allow any conclusion about variant significance. c.2243G>C has been observed in an individual affected with Limb-Girdle Muscular Dystrophy, Autosomal Recessive (Godfrey_2007). These data do not allow any conclusion about variant significance. To our knowledge, no experimental evidence demonstrating an impact on protein function has been reported. The following publication has been ascertained in the context of this evaluation (PMID: 17878207). ClinVar contains an entry for this variant (Variation ID: 3230). Based on the evidence outlined above, the variant was classified as uncertain significance.

OMIM
Classification: Pathogenic for MUSCULAR DYSTROPHY-DYSTROGLYCANOPATHY (LIMB-GIRDLE), TYPE C, 2. Last evaluated: 2007-10-01. Review status: no assertion criteria provided. Collection method: literature only. Allele origin: germline. Not counted in ClinVar's aggregate classification.

Literature cited by the submitters: PubMed 17878207 (cited by Women's Health and Genetics/Laboratory Corporation of America, LabCorp and OMIM).

NM_013382.7(POMT2):c.2243G>C (p.Trp748Ser)

Gene: POMT2 (protein O-mannosyltransferase 2; minus strand). Cytogenetic location: 14q24.3.
Variant type: single nucleotide variant.
Coding change: c.2243G>C on transcript NM_013382.7 (MANE Select); coding-DNA position 2243, G replaced by C.
Protein change: p.Trp748Ser; replaces tryptophan 748 with serine.
Molecular consequence: missense variant.
Genome position (GRCh38, 1-based): chr14:77,277,386, C>G on the plus strand (G>C on the coding strand, the complement: POMT2 is on the minus strand). VCF-style: chr14-77277386-C-G. GRCh37 (hg19) VCF-style: chr14-77743729-C-G.
Other names: short protein forms W748S.
Identifiers: ClinVar variation 3230 (VCV000003230.2), dbSNP rs267606967, ClinGen allele CA252637.